The following is an entry in ClinVar:

ClinVar aggregate classification (germline): Benign/Likely benign. Review status: criteria provided, multiple submitters, no conflicts (2 of 4 stars). 6 submissions from 6 submitters: Benign (2); Likely benign (3). 1 of the submissions does not count toward it. Last evaluated 2026-01-24.

Conditions:
NBEAL2-related disorder. Also called: NBEAL2-related condition.
Gray platelet syndrome (GPS). Also called: BLEEDING DISORDER, PLATELET-TYPE, 4. Identifiers: Orphanet 721, MedGen C0272302, MONDO:0007686, OMIM 139090.

Allele frequency attached by ClinVar (database versions not stated): gnomAD exomes 0.00092; ExAC 0.00131; ESP Exome Variant Server 0.00285; gnomAD 0.00314 and 0.00338; TOPMed 0.00366; 1000 Genomes Project 30x 0.00375; 1000 Genomes Project 0.00419.
gnomAD v4.1: 1,053 of 1,598,756 alleles (0.066%); highest among the groups gnomAD compares: African/African-American, 1.1%; 3 homozygotes.

Submissions (6):

Labcorp Genetics (formerly Invitae), Labcorp
Classification: Benign. Last evaluated: 2026-01-24. Review status: criteria provided, single submitter. Criteria: Invitae Variant Classification Sherloc (09022015). Collection method: clinical testing. Allele origin: germline.

CeGaT Center for Human Genetics Tuebingen
Classification: Likely benign. Last evaluated: 2026-01-01. Review status: criteria provided, single submitter. Criteria: CeGaT Center For Human Genetics Tuebingen Variant Classification Criteria Version 2. Collection method: clinical testing. Allele origin: germline. Affected: yes. Observed: 2 variant alleles.
Comment: NBEAL2: BS1

Blueprint Genetics
Classification: Likely benign. Last evaluated: 2024-11-19. Review status: criteria provided, single submitter. Criteria: ACMG Guidelines, 2015. Collection method: clinical testing. Allele origin: germline.

Genetic Services Laboratory, University of Chicago
Classification: Likely benign. Last evaluated: 2018-01-31. Review status: criteria provided, single submitter. Criteria: ACMG Guidelines, 2015. Collection method: clinical testing. Allele origin: germline. Affected: no.

Illumina Laboratory Services, Illumina
Classification: Benign for Gray platelet syndrome. Last evaluated: 2018-01-13. Review status: criteria provided, single submitter. Criteria: ICSL Variant Classification Criteria 13 December 2019. Collection method: clinical testing. Allele origin: germline.
Comment: This variant was observed in the ICSL laboratory as part of a predisposition screen in an ostensibly healthy population. It had not been previously curated by ICSL or reported in the Human Gene Mutation Database (HGMD: prior to June 1st, 2018), and was therefore a candidate for classification through an automated scoring system. Utilizing variant allele frequency, disease prevalence and penetrance estimates, and inheritance mode, an automated score was calculated to assess if this variant is too frequent to cause the disease. Based on the score and internal cut-off values, a variant classified as benign is not then subjected to further curation. The score for this variant resulted in a classification of benign for this disease.

PreventionGenetics, part of Exact Sciences
Classification: Likely benign for NBEAL2-related condition. Last evaluated: 2019-04-16. Review status: no assertion criteria provided. Collection method: clinical testing. Allele origin: germline. Not counted in ClinVar's aggregate classification.
Comment: This variant is classified as likely benign based on ACMG/AMP sequence variant interpretation guidelines (Richards et al. 2015 PMID: 25741868, with internal and published modifications).

NM_015175.3(NBEAL2):c.2356G>A (p.Ala786Thr)

Gene: NBEAL2 (neurobeachin like 2; plus strand). Cytogenetic location: 3p21.31.
Variant type: single nucleotide variant.
Coding change: c.2356G>A on transcript NM_015175.3 (MANE Select); coding-DNA position 2356, G replaced by A.
Protein change: p.Ala786Thr; replaces alanine 786 with threonine.
Molecular consequence: missense variant.
Genome position (GRCh38, 1-based): chr3:46,996,475, G>A. VCF-style: chr3-46996475-G-A. GRCh37 (hg19) VCF-style: chr3-47037965-G-A.
Other names: c.2254G>A, p.Ala752Thr (NM_001365116.2); short protein forms A786T, A752T.
Identifiers: ClinVar variation 903330 (VCV000903330.34), dbSNP rs116104760, ClinGen allele CA2360607.